The following is an entry in ClinVar:

ClinVar aggregate classification (germline): Conflicting classifications of pathogenicity. Review status: criteria provided, conflicting classifications (1 of 4 stars). 6 submissions from 6 submitters: Likely pathogenic (2); Uncertain significance (4). Last evaluated 2026-04-07.

Conditions:
BRIP1-related disorder. Also called: BRIP1-related condition; BRIP1-related disorders. Identifiers: MedGen CN239206.
Hereditary cancer-predisposing syndrome. Also called: Neoplastic Syndromes, Hereditary; Tumor predisposition; Hereditary Cancer Syndrome; Hereditary neoplastic syndrome. Identifiers: Orphanet 140162, MedGen C0027672, MeSH D009386, MONDO:0015356.
Fanconi anemia complementation group J. Also called: BRIP1-Related Fanconi Anemia. Identifiers: Orphanet 84, MedGen C1836860, MONDO:0012187, OMIM 609054.
Familial cancer of breast. Also called: hereditary breast carcinoma; BREAST CANCER, FAMILIAL; Hereditary breast cancer. Identifiers: Orphanet 227535, MedGen C0346153, MONDO:0016419, OMIM 114480. Disease mechanism: loss of function.

Allele frequency attached by ClinVar (database versions not stated): gnomAD exomes 0.00001.
gnomAD v4.1: 12 of 1,609,622 alleles (0.00075%); highest among the groups gnomAD compares: Non-Finnish European, 0.001%; no homozygotes.

Submissions (6):

Ambry Genetics
Classification: Uncertain significance for Hereditary cancer-predisposing syndrome. Last evaluated: 2026-04-07. Review status: criteria provided, single submitter. Criteria: Ambry Variant Classification Scheme 2023. Collection method: clinical testing. Allele origin: germline.
Comment: The c.1340+5G>C intronic variant results from a G to C substitution 5 nucleotides after coding exon 8 in the BRIP1 gene. This nucleotide position is highly conserved in available vertebrate species. In silico splice site analysis predicts that this alteration will weaken the native splice donor site; however direct evidence is insufficient at this time (Ambry internal data). Based on the available evidence, the clinical significance of this variant remains unclear.

Labcorp Genetics (formerly Invitae), Labcorp
Classification: Likely pathogenic for Familial cancer of breast; Fanconi anemia complementation group J. Last evaluated: 2025-11-16. Review status: criteria provided, single submitter. Criteria: Invitae Variant Classification Sherloc (09022015). Collection method: clinical testing. Allele origin: germline.
Comment: This sequence change falls in intron 9 of the BRIP1 gene. It does not directly change the encoded amino acid sequence of the BRIP1 protein. RNA analysis indicates that this variant induces altered splicing and may result in an absent or altered protein product. This variant is not present in population databases (gnomAD no frequency). This variant has been observed in individual(s) with ovarian cancer (PMID: 26845104). ClinVar contains an entry for this variant (Variation ID: 224563). Variants that disrupt the consensus splice site are a relatively common cause of aberrant splicing (PMID: 17576681, 9536098). Studies have shown that this variant results in skipping of exon 9 as well as activation of cryptic splice sites, and produces a non-functional protein and/or introduces a premature termination codon (internal data). In summary, the currently available evidence indicates that the variant is pathogenic, but additional data are needed to prove that conclusively. Therefore, this variant has been classified as Likely Pathogenic.

PreventionGenetics, part of Exact Sciences
Classification: Uncertain significance for BRIP1-related condition. Last evaluated: 2025-10-01. Review status: criteria provided, single submitter. Criteria: ACMG Guidelines, 2015. Collection method: clinical testing. Allele origin: germline.
Comment: The BRIP1 c.1340+5G>C variant is predicted to interfere with splicing. This variant has been reported with uncertain significance in an individual with ovarian cancer (Table S1, Shirts et al. 2016. PubMed ID: 26845104). This variant has not been reported in a large population database (gnomAD), indicating this variant is rare, and has conflicting interpretations in ClinVar, ranging from likely pathogenic to uncertain to likely pathogenic (Variation ID: 224563). At this time, the clinical significance of this variant is uncertain due to the absence of conclusive functional and genetic evidence.

Color Diagnostics, LLC DBA Color Health
Classification: Likely pathogenic for Hereditary cancer-predisposing syndrome. Last evaluated: 2024-01-08. Review status: criteria provided, single submitter. Criteria: ACMG Guidelines, 2015. Collection method: clinical testing. Allele origin: germline.
Comment: This variant causes a G to C nucleotide substitution at the +5 position of intron 9 of the BRIP1 gene. Splice site prediction tools predict that this variant may have a significant impact on RNA splicing. RNA studies have shown that this variant allele causes intron 9 retention or exon 9 skipping, creating a premature translation stop signal in the RNA transcripts (unpublished targeted RNAseq data from the King Lab, 2017 ASHG cBROCA abstract 796W at an online resource). The aberrant transcripts are expected to result in an absent or non-functional protein product. This variant has been reported in individuals affected with ovarian cancer (PMID: 26845104; Color Health internal data). This variant has not been identified in the general population by the Genome Aggregation Database (gnomAD). Loss of BRIP1 function is a known mechanism of disease. Based on the available evidence, this variant is classified as Likely Pathogenic.

Baylor Genetics
Classification: Uncertain significance for Familial cancer of breast. Last evaluated: 2022-05-13. Review status: criteria provided, single submitter. Criteria: ACMG Guidelines, 2015. Collection method: clinical testing. Allele origin: unknown.

University of Washington Department of Laboratory Medicine, University of Washington
Classification: Uncertain significance for Hereditary cancer-predisposing syndrome. Last evaluated: 2015-11-20. Review status: criteria provided, single submitter. Criteria: Shirts et al. (Genet Med 2016). Collection method: clinical testing. Allele origin: germline. Affected: yes. Observed: 1 variant allele.

Literature cited by the submitters: PubMed 26845104 (cited by 3 submitters); PubMed 17576681 (cited by Labcorp Genetics (formerly Invitae), Labcorp); PubMed 9536098 (cited by Labcorp Genetics (formerly Invitae), Labcorp).

NM_032043.3(BRIP1):c.1340+5G>C

Gene: BRIP1 (BRCA1 interacting DNA helicase 1; minus strand). Cytogenetic location: 17q23.2.
Variant type: single nucleotide variant.
Coding change: c.1340+5G>C on transcript NM_032043.3 (MANE Select); 5 bases into the intron after coding-DNA position 1340, G replaced by C.
Molecular consequence: intron variant.
Genome position (GRCh38, 1-based): chr17:61,799,095, C>G on the plus strand (G>C on the coding strand, the complement: BRIP1 is on the minus strand). VCF-style: chr17-61799095-C-G. GRCh37 (hg19) VCF-style: chr17-59876456-C-G.
Identifiers: ClinVar variation 224563 (VCV000224563.27), dbSNP rs869312791, ClinGen allele CA353521.